The following is an entry in ClinVar:

ClinVar aggregate classification (germline): Uncertain significance (1 of 4 stars; one submission).

Conditions:
Hypertrophic cardiomyopathy 11. Also called: ACTC1-Related Familial Hypertrophic Cardiomyopathy. Identifiers: MedGen C2677506, MONDO:0012799, OMIM 612098.
Dilated cardiomyopathy 1R (CMD1R). Identifiers: Orphanet 154, Orphanet 54260, MedGen C3150681, MONDO:0013261, OMIM 613424.
Atrial septal defect 5 (ASD5). Identifiers: Orphanet 1478, MedGen C2748552, MONDO:0013011, OMIM 612794.

Submission:

Labcorp Genetics (formerly Invitae), Labcorp
Classification: Uncertain significance for Dilated cardiomyopathy 1R; Hypertrophic cardiomyopathy 11; Atrial septal defect 5. Last evaluated: 2023-08-14. Review status: criteria provided, single submitter. Criteria: Invitae Variant Classification Sherloc (09022015). Collection method: clinical testing. Allele origin: germline.
Comment: This sequence change affects the initiator methionine of the ACTC1 mRNA. The next in-frame methionine is located at codon 46. In summary, the available evidence is currently insufficient to determine the role of this variant in disease. Therefore, it has been classified as a Variant of Uncertain Significance. Experimental studies and prediction algorithms are not available or were not evaluated, and the functional significance of this variant is currently unknown. This variant has not been reported in the literature in individuals affected with ACTC1-related conditions. This variant is not present in population databases (gnomAD no frequency).

NM_005159.5(ACTC1):c.1A>G (p.Met1Val)

Genes: GJD2-DT (GJD2 divergent transcript; plus strand), ACTC1 (actin alpha cardiac muscle 1; minus strand). Cytogenetic location: 15q14.
Variant type: single nucleotide variant.
Coding change: c.1A>G on transcript NM_005159.5 (MANE Select); coding-DNA position 1, A replaced by G.
Protein change: p.Met1Val; changes the start codon (methionine 1).
Molecular consequence: missense variant, initiator codon variant.
Genome position (GRCh38, 1-based): chr15:34,794,808, T>C on the plus strand (A>G on the coding strand, the complement: ACTC1 is on the minus strand). VCF-style: chr15-34794808-T-C. GRCh37 (hg19) VCF-style: chr15-35087009-T-C.
Other names: c.1A>G, p.Met1Val (NM_001406482.1, NM_001406483.1); short protein forms M1V.
Identifiers: ClinVar variation 2950970 (VCV002950970.3), dbSNP rs1891784379, ClinGen allele CA391633548.